The following is an entry in ClinVar:

ClinVar aggregate classification (germline): Uncertain significance (1 of 4 stars; one submission).

Allele frequency attached by ClinVar (database versions not stated): gnomAD exomes below 0.00001; TOPMed below 0.00001; gnomAD 0.00001.
gnomAD v4.1: 5 of 1,535,782 alleles (0.00033%); highest among the groups gnomAD compares: Admixed American, 0.0039%; no homozygotes.

Submission:

Labcorp Genetics (formerly Invitae), Labcorp
Classification: Uncertain significance. Last evaluated: 2022-08-16. Review status: criteria provided, single submitter. Criteria: Invitae Variant Classification Sherloc (09022015). Collection method: clinical testing. Allele origin: germline.
Comment: This variant is not present in population databases (gnomAD no frequency). This sequence change replaces tryptophan, which is neutral and slightly polar, with arginine, which is basic and polar, at codon 720 of the ARMC9 protein (p.Trp720Arg). ClinVar contains an entry for this variant (Variation ID: 1436833). Experimental studies and prediction algorithms are not available or were not evaluated, and the functional significance of this variant is currently unknown. In summary, the available evidence is currently insufficient to determine the role of this variant in disease. Therefore, it has been classified as a Variant of Uncertain Significance. This variant has not been reported in the literature in individuals affected with ARMC9-related conditions.

NM_001352754.2(ARMC9):c.2158T>C (p.Trp720Arg)

Genes: ARMC9 (armadillo repeat containing 9; plus strand), LOC122861306 (Sharpr-MPRA regulatory region 9410; plus strand). Cytogenetic location: 2q37.1.
Variant type: single nucleotide variant.
Coding change: c.2158T>C on transcript NM_001352754.2 (MANE Select); coding-DNA position 2158, T replaced by C.
Protein change: p.Trp720Arg; replaces tryptophan 720 with arginine.
Molecular consequence: missense variant.
Genome position (GRCh38, 1-based): chr2:231,360,780, T>C. VCF-style: chr2-231360780-T-C. GRCh37 (hg19) VCF-style: chr2-232225492-T-C.
Other names: c.2158T>C, p.Trp720Arg (NM_001271466.4); short protein forms W720R.
Identifiers: ClinVar variation 1436833 (VCV001436833.6), dbSNP rs2045538911, ClinGen allele CA350958069.